The following is an entry in ClinVar:

NM_000215.4(JAK3):c.2806-14C>G

Gene: JAK3 (Janus kinase 3; minus strand). Cytogenetic location: 19p13.11.
Variant type: single nucleotide variant.
Coding change: c.2806-14C>G on transcript NM_000215.4 (MANE Select); 14 bases into the intron before coding-DNA position 2806, C replaced by G.
Molecular consequence: intron variant.
Genome position (GRCh38, 1-based): chr19:17,831,414, G>C on the plus strand (C>G on the coding strand, the complement: JAK3 is on the minus strand). VCF-style: chr19-17831414-G-C. GRCh37 (hg19) VCF-style: chr19-17942223-G-C.
Identifiers: ClinVar variation 888994 (VCV000888994.9), dbSNP rs976222264, ClinGen allele CA306126818.

ClinVar aggregate classification (germline): Uncertain significance. Review status: criteria provided, multiple submitters, no conflicts (2 of 4 stars). 3 submissions from 3 submitters: Uncertain significance (3). Last evaluated 2022-08-15.

Conditions:
T-B+ severe combined immunodeficiency due to JAK3 deficiency. Also called: SCID, T CELL-NEGATIVE, B CELL-POSITIVE, NK CELL-NEGATIVE; SCID, autosomal recessive, T-negative/B-positive type. Identifiers: Orphanet 35078, MedGen C1833275, MONDO:0010938, OMIM 600802.

Allele frequency attached by ClinVar (database versions not stated): gnomAD 0.00004 and 0.00003; gnomAD exomes 0.00004 and 0.00002; TOPMed 0.00003.

Submissions (3):

Labcorp Genetics (formerly Invitae), Labcorp
Classification: Uncertain significance for T-B+ severe combined immunodeficiency due to JAK3 deficiency. Last evaluated: 2022-08-15. Review status: criteria provided, single submitter. Criteria: Invitae Variant Classification Sherloc (09022015). Collection method: clinical testing. Allele origin: germline.
Comment: This sequence change falls in intron 20 of the JAK3 gene. It does not directly change the encoded amino acid sequence of the JAK3 protein. This variant is present in population databases (no rsID available, gnomAD 0.004%). This variant has not been reported in the literature in individuals affected with JAK3-related conditions. ClinVar contains an entry for this variant (Variation ID: 888994). Algorithms developed to predict the effect of sequence changes on RNA splicing suggest that this variant may create or strengthen a splice site. In summary, the available evidence is currently insufficient to determine the role of this variant in disease. Therefore, it has been classified as a Variant of Uncertain Significance.

Blueprint Genetics
Classification: Uncertain significance. Last evaluated: 2022-07-17. Review status: criteria provided, single submitter. Criteria: ACMG Guidelines, 2015. Collection method: clinical testing. Allele origin: germline.

Illumina Laboratory Services, Illumina
Classification: Uncertain significance for T-B+ severe combined immunodeficiency due to JAK3 deficiency. Last evaluated: 2017-04-27. Review status: criteria provided, single submitter. Criteria: ICSL Variant Classification Criteria 13 December 2019. Collection method: clinical testing. Allele origin: germline.